The following is an entry in ClinVar:

NM_004168.4(SDHA):c.1062A>T (p.Gly354=)

Gene: SDHA (succinate dehydrogenase complex flavoprotein subunit A; plus strand). Cytogenetic location: 5p15.33.
Variant type: single nucleotide variant.
Coding change: c.1062A>T on transcript NM_004168.4 (MANE Select); coding-DNA position 1062, A replaced by T.
Protein change: p.Gly354=; no amino-acid change (glycine 354 retained).
Molecular consequence: synonymous variant.
Genome position (GRCh38, 1-based): chr5:233,643, A>T. VCF-style: chr5-233643-A-T. GRCh37 (hg19) VCF-style: chr5-233758-A-T.
Other names: c.918A>T, p.Gly306= (NM_001294332.2); c.1062A>T, p.Gly354= (NM_001330758.2).
Identifiers: ClinVar variation 2135767 (VCV002135767.4), dbSNP rs2477351078, ClinGen allele CA442691745.
Genomic context (GRCh38, chr5:233,643, plus strand): 5'-GAAGGACCTGGCGTCTAGAGATGTGGTGTCTCGGTCCATGACTCTGGAGATCCGAGAAGG[A>T]AGGTGCGTGTGATTTACCACCAGCACTGTCTGAGCGGGCACACGGGCCGGGGTTGCTTCT-3'
Protein context (NP_004159.2, residues 344-364): SRSMTLEIRE[Gly354=]RGCGPEKDHV

ClinVar aggregate classification (germline): Uncertain significance (1 of 4 stars; one submission).

Conditions:
Mitochondrial complex II deficiency, nuclear type 1. Also called: SUCCINATE CoQ REDUCTASE DEFICIENCY. Identifiers: Orphanet 3208, MedGen C5700310, MONDO:0100294, OMIM 252011.
Pheochromocytoma/paraganglioma syndrome 5. Also called: Paragangliomas 5; SDHA-Related Hereditary Paraganglioma-Pheochromocytoma Syndrome. Identifiers: Orphanet 29072, MedGen C3279992, MONDO:0013602, OMIM 614165.

Submission:

Labcorp Genetics (formerly Invitae), Labcorp
Classification: Uncertain significance for Pheochromocytoma/paraganglioma syndrome 5; Mitochondrial complex II deficiency, nuclear type 1. Last evaluated: 2022-05-09. Review status: criteria provided, single submitter. Criteria: Invitae Variant Classification Sherloc (09022015). Collection method: clinical testing. Allele origin: germline.
Comment: In summary, the available evidence is currently insufficient to determine the role of this variant in disease. Therefore, it has been classified as a Variant of Uncertain Significance. Algorithms developed to predict the effect of sequence changes on RNA splicing suggest that this variant may disrupt the consensus splice site. This variant has not been reported in the literature in individuals affected with SDHA-related conditions. This variant is not present in population databases (gnomAD no frequency). This sequence change affects codon 354 of the SDHA mRNA. It is a 'silent' change, meaning that it does not change the encoded amino acid sequence of the SDHA protein.